The following is an entry in ClinVar:

NM_003640.5(ELP1):c.2588-39A>C

Gene: ELP1 (elongator acetyltransferase complex subunit 1; minus strand). Cytogenetic location: 9q31.3.
Variant type: single nucleotide variant.
Coding change: c.2588-39A>C on transcript NM_003640.5 (MANE Select); 39 bases into the intron before coding-DNA position 2588, A replaced by C.
Molecular consequence: intron variant.
Genome position (GRCh38, 1-based): chr9:108,896,683, T>G on the plus strand (A>C on the coding strand, the complement: ELP1 is on the minus strand). VCF-style: chr9-108896683-T-G. GRCh37 (hg19) VCF-style: chr9-111658963-T-G.
Other names: c.2246-39A>C (NM_001318360.2); c.1541-39A>C (NM_001330749.2).
Identifiers: ClinVar variation 674185 (VCV000674185.2), dbSNP rs10816764, ClinGen allele CA5174579.
Genomic context (GRCh38, chr9:108,896,683, plus strand): 5'-TCAGGATCAGAGGGAGCATTTCCTAACAGTGTTTAGAAAACAAAACAGAACACAATCATT[T>G]GGGGAAAAAATCCACAGACCTAACAACATAACCAAAAAGACAATAAATTTTTCTCAATAG-3'

ClinVar aggregate classification (germline): Benign. Review status: criteria provided, multiple submitters, no conflicts (2 of 4 stars). 2 submissions from 2 submitters: Benign (2). Last evaluated 2018-06-14.

Allele frequency attached by ClinVar (database versions not stated): gnomAD exomes 0.05049 and 0.05825; ExAC 0.05356; 1000 Genomes Project 0.05531; 1000 Genomes Project 30x 0.05793; gnomAD 0.06887 and 0.07166; TOPMed 0.07055; ESP Exome Variant Server 0.07207.
gnomAD v4.1: 94,727 of 1,604,838 alleles (5.9%); highest among the groups gnomAD compares: African/African-American, 11%; 3,292 homozygotes.

Submissions (2):

GeneDx
Classification: Benign. Last evaluated: 2018-06-14. Review status: criteria provided, single submitter. Criteria: GeneDx Variant Classification (06012015). Collection method: clinical testing. Allele origin: germline. Affected: yes.
Comment: This variant is considered likely benign or benign based on one or more of the following criteria: it is a conservative change, it occurs at a poorly conserved position in the protein, it is predicted to be benign by multiple in silico algorithms, and/or has population frequency not consistent with disease.

Breakthrough Genomics
Classification: Benign. Review status: criteria provided, single submitter. Criteria: ACMG Guidelines, 2015. Collection method: not provided. Allele origin: germline. Inheritance: Autosomal recessive inheritance. Affected: yes.